The following is an entry in ClinVar:

ClinVar aggregate classification (germline): Uncertain significance. Review status: criteria provided, multiple submitters, no conflicts (2 of 4 stars). 2 submissions from 2 submitters: Uncertain significance (2). Last evaluated 2023-02-01.

Allele frequency attached by ClinVar (database versions not stated): gnomAD 0.00001 and 0.00002; gnomAD exomes 0.00001; TOPMed 0.00003.
gnomAD v4.1: 56 of 1,550,604 alleles (0.0036%); highest among the groups gnomAD compares: Non-Finnish European, 0.0045%; no homozygotes.

Submissions (2):

Blueprint Genetics
Classification: Uncertain significance. Last evaluated: 2023-02-01. Review status: criteria provided, single submitter. Criteria: ACMG Guidelines, 2015. Collection method: clinical testing. Allele origin: germline.

Laboratory for Molecular Medicine, Mass General Brigham Personalized Medicine
Classification: Uncertain significance. Last evaluated: 2017-02-16. Review status: criteria provided, single submitter. Criteria: LMM Criteria. Collection method: clinical testing. Allele origin: germline. Observed: 1 variant allele.
Comment: The p.Arg610His variant in OTOG has not been previously reported in individuals with hearing loss. This variant has been identified in 3/67514 European chromos omes by the Genome Aggregation Database (gnomAD, g). Although this variant has been seen in the general population, its frequency is not high enough to rule out a pathogenic role. Computational prediction tool s and conservation analysis do not provide strong support for or against an impa ct to the protein. In summary, the clinical significance of the p.Arg610His vari ant is uncertain.

NM_001292063.2(OTOG):c.1793G>A (p.Arg598His)

Gene: OTOG (otogelin; plus strand). Cytogenetic location: 11p15.1.
Variant type: single nucleotide variant.
Coding change: c.1793G>A on transcript NM_001292063.2 (MANE Select); coding-DNA position 1793, G replaced by A.
Protein change: p.Arg598His; replaces arginine 598 with histidine.
Molecular consequence: missense variant.
Genome position (GRCh38, 1-based): chr11:17,570,228, G>A. VCF-style: chr11-17570228-G-A. GRCh37 (hg19) VCF-style: chr11-17591775-G-A.
Other names: c.1829G>A, p.Arg610His (NM_001277269.2); short protein forms R610H, R598H.
Identifiers: ClinVar variation 517260 (VCV000517260.6), dbSNP rs1032491736, ClinGen allele CA218504251.